The following is an entry in ClinVar:

ClinVar aggregate classification (germline): Uncertain significance (1 of 4 stars; one submission).

Allele frequency attached by ClinVar (database versions not stated): gnomAD exomes below 0.00001.
gnomAD v4.1: 1 of 1,612,262 alleles (0.000062%); highest among the groups gnomAD compares: Admixed American, 0.0017%; no homozygotes.

Submission:

Labcorp Genetics (formerly Invitae), Labcorp
Classification: Uncertain significance. Last evaluated: 2022-08-09. Review status: criteria provided, single submitter. Criteria: Invitae Variant Classification Sherloc (09022015). Collection method: clinical testing. Allele origin: germline.
Comment: This sequence change replaces asparagine, which is neutral and polar, with aspartic acid, which is acidic and polar, at codon 4225 of the ADGRV1 protein (p.Asn4225Asp). In summary, the available evidence is currently insufficient to determine the role of this variant in disease. Therefore, it has been classified as a Variant of Uncertain Significance. Algorithms developed to predict the effect of missense changes on protein structure and function output the following: SIFT: "Tolerated"; PolyPhen-2: "Possibly Damaging"; Align-GVGD: "Class C0". The aspartic acid amino acid residue is found in multiple mammalian species, which suggests that this missense change does not adversely affect protein function. ClinVar contains an entry for this variant (Variation ID: 1470310). This variant has not been reported in the literature in individuals affected with ADGRV1-related conditions. This variant is present in population databases (no rsID available, gnomAD 0.003%).

NM_032119.4(ADGRV1):c.12673A>G (p.Asn4225Asp)

Gene: ADGRV1 (adhesion G protein-coupled receptor V1; plus strand). Cytogenetic location: 5q14.3.
Variant type: single nucleotide variant.
Coding change: c.12673A>G on transcript NM_032119.4 (MANE Select); coding-DNA position 12673, A replaced by G.
Protein change: p.Asn4225Asp; replaces asparagine 4225 with aspartic acid.
Molecular consequence: missense variant. On other transcripts: non-coding transcript variant (1).
Genome position (GRCh38, 1-based): chr5:90,778,433, A>G. VCF-style: chr5-90778433-A-G. GRCh37 (hg19) VCF-style: chr5-90074250-A-G.
Other names: short protein forms N4225D.
Identifiers: ClinVar variation 1470310 (VCV001470310.6), dbSNP rs1212767009, ClinGen allele CA360387657.